The following is an entry in ClinVar:

ClinVar aggregate classification (germline): Uncertain significance (1 of 4 stars; one submission).

Conditions:
Amyotrophic lateral sclerosis type 12 (ALS12). Also called: AMYOTROPHIC LATERAL SCLEROSIS 12 WITH OR WITHOUT FRONTOTEMPORAL DEMENTIA. Identifiers: Orphanet 803, MedGen C3150692, MONDO:0013264, OMIM 613435.

gnomAD v4.1: 7 of 1,576,418 alleles (0.00044%); highest among the groups gnomAD compares: Non-Finnish European, 0.0006%; no homozygotes.

Submission:

3billion
Classification: Uncertain significance for Amyotrophic lateral sclerosis type 12. Last evaluated: 2025-12-08. Review status: criteria provided, single submitter. Criteria: ACMG Guidelines, 2015. Collection method: clinical testing. Allele origin: germline. Affected: yes.
Comment: The variant is observed at an extremely low frequency in the gnomAD v4.1.0 dataset (total allele frequency: <0.001%). Predicted Consequence/Location: Intron variant In silico tools predict the variant to alter splicing and produce an abnormal transcript [SpliceAI: 0.33 (>=0.2, moderate evidence for spliceogenicity)]. Therefore, this variant is classified as VUS according to the recommendation of ACMG/AMP guideline.

NM_001008212.2(OPTN):c.167-81A>G

Genes: OPTN (optineurin; plus strand), LOC108903148 (10p13 OPTN distal Alu-mediated recombination region; plus strand). Cytogenetic location: 10p13.
Variant type: single nucleotide variant.
Coding change: c.167-81A>G on transcript NM_001008212.2 (MANE Select); 81 bases into the intron before coding-DNA position 167, A replaced by G.
Molecular consequence: intron variant.
Genome position (GRCh38, 1-based): chr10:13,110,193, A>G. VCF-style: chr10-13110193-A-G. GRCh37 (hg19) VCF-style: chr10-13152193-A-G.
Other names: c.167-81A>G (NM_001008211.1, NM_001008213.1, NM_021980.4).
Identifiers: ClinVar variation 4855481 (VCV004855481.1).
Genomic context (GRCh38, chr10:13,110,193, plus strand): 5'-GCTGCTGACCCTTGGGCCAAGGCTAAGCATGGCATCTTTCAATTCAGAGCCATGTGGTCA[A>G]GTGGACTAGAGGGAGATTTGGTTCATCAGATCAAGTCCACTTTCCTGGTGTGTGACTCCA-3'